The following is an entry in ClinVar:

ClinVar aggregate classification (germline): Likely benign. Review status: reviewed by expert panel (3 of 4 stars). 3 submissions from 3 submitters: Likely benign (1). 2 of the submissions do not count toward it. Last evaluated 2017-06-29.

Conditions:
Hereditary cancer-predisposing syndrome. Also called: Tumor predisposition; Hereditary Cancer Syndrome; Neoplastic Syndromes, Hereditary; Hereditary neoplastic syndrome. Identifiers: Orphanet 140162, MedGen C0027672, MeSH D009386, MONDO:0015356.
Hereditary breast ovarian cancer syndrome. Also called: Breast and ovarian cancer; Hereditary breast and ovarian cancer; Hereditary breast and ovarian cancer syndrome; Hereditary breast and/or ovarian cancer syndrome; BRCA1- and BRCA2-Associated Hereditary Breast and Ovarian Cancer; Hereditary breast and ovarian cancer syndrome (HBOC). Identifiers: Orphanet 145, MedGen C0677776, MeSH D061325, MONDO:0003582. Disease mechanism: loss of function.
Breast-ovarian cancer, familial, susceptibility to, 1 (BROVCA1). Also called: BRCA1 Hereditary Breast and Ovarian Cancer; OVARIAN CANCER, SUSCEPTIBILITY TO. Identifiers: Orphanet 145, MedGen C2676676, MONDO:0011450, OMIM 604370. Disease mechanism: loss of function.

Allele frequency attached by ClinVar (database versions not stated): gnomAD exomes below 0.00001.
gnomAD v4.1: 1 of 1,614,174 alleles (0.000062%); highest among the groups gnomAD compares: African/African-American, 0.0013%; no homozygotes.

Submissions (4):

Evidence-based Network for the Interpretation of Germline Mutant Alleles (ENIGMA)
Classification: Likely benign for Breast-ovarian cancer, familial, susceptibility to, 1. Last evaluated: 2017-06-29. Review status: reviewed by expert panel. Criteria: ENIGMA BRCA1/2 Classification Criteria (2017-06-29). Collection method: curation. Allele origin: germline.
Comment: Synonymous substitution variant, with low bioinformatic likelihood to result in a splicing aberration (Splicing prior probability 0.02).

Labcorp Genetics (formerly Invitae), Labcorp
Classification: Likely benign for Hereditary breast ovarian cancer syndrome. Last evaluated: 2024-05-01. Review status: criteria provided, single submitter. Criteria: Invitae Variant Classification Sherloc (09022015). Collection method: clinical testing. Allele origin: germline. Not counted in ClinVar's aggregate classification.

Ambry Genetics
Classification: Likely benign for Hereditary cancer-predisposing syndrome. Last evaluated: 2017-03-13. Review status: criteria provided, single submitter. Criteria: Ambry Variant Classification Scheme 2023. Collection method: clinical testing. Allele origin: germline. Not counted in ClinVar's aggregate classification.

Brotman Baty Institute, University of Washington
No classification provided (evidence only). Condition: Breast-ovarian cancer, familial 1. Review status: no classification provided. Collection method: in vitro. Allele origin: not applicable. Functional consequence: functionally_normal. Not counted in ClinVar's aggregate classification.
ClinVar note: "not provided" was previously submitted as the classification for the variant. However, the classification appeared to be based only on an observation of functional data so it was converted to no classification on 2025-07-30.

NM_007294.4(BRCA1):c.4971G>C (p.Leu1657=)

Gene: BRCA1 (BRCA1 DNA repair associated; minus strand). Cytogenetic location: 17q21.31.
Variant type: single nucleotide variant.
Coding change: c.4971G>C on transcript NM_007294.4 (MANE Select); coding-DNA position 4971, G replaced by C.
Protein change: p.Leu1657=; no amino-acid change (leucine 1657 retained).
Molecular consequence: synonymous variant. On other transcripts: intron variant (1).
Genome position (GRCh38, 1-based): chr17:43,070,943, C>G on the plus strand (G>C on the coding strand, the complement: BRCA1 is on the minus strand). VCF-style: chr17-43070943-C-G. GRCh37 (hg19) VCF-style: chr17-41222960-C-G.
Other names: c.1521G>C, p.Leu507= (NM_001408457.1, NM_001408452.1, NM_001408453.1 and 3 more transcripts); c.1518G>C, p.Leu506= (NM_001408458.1, NM_001408459.1, NM_001408460.1 and 7 more transcripts); c.1515G>C, p.Leu505= (NM_001408468.1, NM_001408469.1, NM_001408470.1); c.1659G>C, p.Leu553= (NM_001408472.1, NM_007298.4, NM_007299.4 and 13 more transcripts); c.1656G>C, p.Leu552= (NM_001408473.1, NM_001408392.1, NM_001408396.1 and 8 more transcripts); c.1461G>C, p.Leu487= (NM_001408474.1); c.1458G>C, p.Leu486= (NM_001408475.1, NM_001408476.1); c.1452G>C, p.Leu484= (NM_001408478.1, NM_001408479.1, NM_001408480.1); and 71 more.
Identifiers: ClinVar variation 219576 (VCV000219576.20), dbSNP rs786202058, ClinGen allele CA348025.